The following is an entry in ClinVar:

ClinVar aggregate classification (germline): Uncertain significance. Review status: criteria provided, multiple submitters, no conflicts (2 of 4 stars). 2 submissions from 2 submitters: Uncertain significance (2). Last evaluated 2024-02-11.

Conditions:
Long QT syndrome (LQTS). Identifiers: MedGen C0023976, MeSH D008133, MONDO:0002442. Disease mechanism: loss of function. Inheritance: Various modes of inheritance.

Submissions (2):

Labcorp Genetics (formerly Invitae), Labcorp
Classification: Uncertain significance for Long QT syndrome. Last evaluated: 2024-02-11. Review status: criteria provided, single submitter. Criteria: Invitae Variant Classification Sherloc (09022015). Collection method: clinical testing. Allele origin: germline.
Comment: This sequence change replaces glutamine, which is neutral and polar, with glutamic acid, which is acidic and polar, at codon 376 of the KCNQ1 protein (p.Gln376Glu). This variant is not present in population databases (gnomAD no frequency). This missense change has been observed in individual(s) with clinical features of long QT syndrome (LQTS) (Invitae). It has also been observed to segregate with disease in related individuals. ClinVar contains an entry for this variant (Variation ID: 811417). An algorithm developed to predict the effect of missense changes on protein structure and function (PolyPhen-2) suggests that this variant is likely to be disruptive. In summary, the available evidence is currently insufficient to determine the role of this variant in disease. Therefore, it has been classified as a Variant of Uncertain Significance.

ARUP Laboratories, Molecular Genetics and Genomics, ARUP Laboratories
Classification: Uncertain significance. Last evaluated: 2019-05-26. Review status: criteria provided, single submitter. Criteria: ARUP Molecular Germline Variant Investigation Process. Collection method: clinical testing. Allele origin: germline.
Comment: The KCNQ1 c.1126C>G; p.Gln376Glu variant, to our knowledge, is not reported in the medical literature or gene-specific databases. This variant is also absent from general population databases (Exome Variant Server, Genome Aggregation Database), indicating it is not a common polymorphism. The glutamine at codon 376 is highly conserved, and computational analyses (SIFT, PolyPhen-2) predict that this variant is deleterious. Additionally, other amino acid substitutions at nearby codons (p.Ser373Pro, p.Leu374His, p.Trp379Gly) have been reported in individuals with Long QT syndrome (Jongbloed 1999, Tester 2005, Van Langen 2003), suggesting the region containing the p.Gln376Glu variant may be functionally important. However, due to limited information, the clinical significance of the p.Gln376Glu variant is uncertain at this time. References: Jongbloed RJ et al. Novel KCNQ1 and HERG missense mutations in Dutch long-QT families. Hum Mutat. 1999;13(4):301-10. Tester DJ et al. Compendium of cardiac channel mutations in 541 consecutive unrelated patients referred for long QT syndrome genetic testing. Heart Rhythm. 2005 May;2(5):507-17. Van Langen IM et al. The use of genotype-phenotype correlations in mutation analysis for the long QT syndrome. J Med Genet. 2003 Feb;40(2):141-5.

NM_000218.3(KCNQ1):c.1126C>G (p.Gln376Glu)

Gene: KCNQ1 (potassium voltage-gated channel subfamily Q member 1; plus strand). Cytogenetic location: 11p15.5.
Variant type: single nucleotide variant.
Coding change: c.1126C>G on transcript NM_000218.3 (MANE Select); coding-DNA position 1126, C replaced by G.
Protein change: p.Gln376Glu; replaces glutamine 376 with glutamic acid.
Molecular consequence: missense variant.
Genome position (GRCh38, 1-based): chr11:2,585,305, C>G. VCF-style: chr11-2585305-C-G. GRCh37 (hg19) VCF-style: chr11-2606535-C-G.
Other names: c.856C>G, p.Gln286Glu (NM_001406837.1); c.745C>G, p.Gln249Glu (NM_181798.2); short protein forms Q249E, Q376E, Q286E.
Identifiers: ClinVar variation 811417 (VCV000811417.17), dbSNP rs1564825414, ClinGen allele CA379133978.